The following is an entry in ClinVar:

ClinVar aggregate classification (germline): Benign/Likely benign. Review status: criteria provided, multiple submitters, no conflicts (2 of 4 stars). 6 submissions from 6 submitters: Benign (2); Likely benign (4). Last evaluated 2025-12-30.

Allele frequency attached by ClinVar (database versions not stated): gnomAD 0.00344 and 0.00381; TOPMed 0.00362; ESP Exome Variant Server 0.00415; gnomAD exomes 0.00088; ExAC 0.00105; 1000 Genomes Project 0.00300; 1000 Genomes Project 30x 0.00328.
gnomAD v4.1: 1,022 of 1,614,024 alleles (0.063%); highest among the groups gnomAD compares: African/African-American, 1.2%; 15 homozygotes.

Submissions (6):

Labcorp Genetics (formerly Invitae), Labcorp
Classification: Benign. Last evaluated: 2025-12-30. Review status: criteria provided, single submitter. Criteria: Invitae Variant Classification Sherloc (09022015). Collection method: clinical testing. Allele origin: germline.

Mayo Clinic Laboratories, Mayo Clinic
Classification: Likely benign. Last evaluated: 2025-09-09. Review status: criteria provided, single submitter. Criteria: ACMG Guidelines, 2015. Collection method: clinical testing. Allele origin: germline. Observed: 4 variant alleles.
Comment: BA1

Blueprint Genetics
Classification: Likely benign. Last evaluated: 2024-09-13. Review status: criteria provided, single submitter. Criteria: ACMG Guidelines, 2015. Collection method: clinical testing. Allele origin: germline.

GeneDx
Classification: Likely benign. Last evaluated: 2021-02-16. Review status: criteria provided, single submitter. Criteria: GeneDx Variant Classification Process June 2021. Collection method: clinical testing. Allele origin: germline. Affected: yes.

Breakthrough Genomics
Classification: Likely benign. Review status: criteria provided, single submitter. Criteria: ACMG Guidelines, 2015. Collection method: not provided. Allele origin: germline. Inheritance: Autosomal recessive inheritance. Affected: yes.

PreventionGenetics, part of Exact Sciences
Classification: Benign. Review status: criteria provided, single submitter. Criteria: ACMG Guidelines, 2015. Collection method: clinical testing. Allele origin: germline.

NM_004817.4(TJP2):c.1063G>C (p.Gly355Arg)

Gene: TJP2 (tight junction protein 2; plus strand). Cytogenetic location: 9q21.11.
Variant type: single nucleotide variant.
Coding change: c.1063G>C on transcript NM_004817.4 (MANE Select); coding-DNA position 1063, G replaced by C.
Protein change: p.Gly355Arg; replaces glycine 355 with arginine.
Molecular consequence: missense variant.
Genome position (GRCh38, 1-based): chr9:69,226,028, G>C. VCF-style: chr9-69226028-G-C. GRCh37 (hg19) VCF-style: chr9-71840944-G-C.
Other names: p.Gly355Arg; c.994G>C, p.Gly332Arg (NM_001170414.2, NM_001369870.1, NM_001369871.1); c.1075G>C, p.Gly359Arg (NM_001170415.1, NM_001369874.1, NM_001369875.1); c.1156G>C, p.Gly386Arg (NM_001170416.2); c.1063G>C, p.Gly355Arg (NM_001369872.1, NM_001369873.1, NM_201629.3 and 1 more transcripts); short protein forms G355R, G332R, G359R, G386R.
Identifiers: ClinVar variation 259550 (VCV000259550.16), dbSNP rs78681604, ClinGen allele CA5073204.